The following is an entry in ClinVar:

NM_000284.4(PDHA1):c.1051C>T (p.Gln351Ter)

Gene: PDHA1 (pyruvate dehydrogenase E1 subunit alpha 1; plus strand). Cytogenetic location: Xp22.12.
Variant type: single nucleotide variant.
Coding change: c.1051C>T on transcript NM_000284.4 (MANE Select); coding-DNA position 1051, C replaced by T.
Protein change: p.Gln351Ter; replaces glutamine 351 with a stop codon.
Molecular consequence: nonsense.
Genome position (GRCh38, 1-based): chrX:19,359,531, C>T. VCF-style: chrX-19359531-C-T. GRCh37 (hg19) VCF-style: chrX-19377649-C-T.
Other names: c.1165C>T, p.Gln389Ter (NM_001173454.2); c.1072C>T, p.Gln358Ter (NM_001173455.2); c.958C>T, p.Gln320Ter (NM_001173456.2); short protein forms Q320*, Q351*, Q358*, Q389*.
Identifiers: ClinVar variation 4070290 (VCV004070290.1).

ClinVar aggregate classification (germline): Pathogenic (0 of 4 stars; one submission).

Conditions:
Pyruvate dehydrogenase E1-alpha deficiency (PDHAD). Also called: ATAXIA, INTERMITTENT, WITH PYRUVATE DEHYDROGENASE DEFICIENCY; ATAXIA WITH LACTIC ACIDOSIS I; ATAXIA, INTERMITTENT, WITH ABNORMAL PYRUVATE METABOLISM; Ataxia, intermittent, with pyruvate dehydrogenase, or decarboxylase, deficiency. Identifiers: Orphanet 79243, MedGen C1839413, MONDO:0010717, OMIM 312170.

Submission:

PDHA1 Study Group, University Children’s Hospital, Paracelsus Medical University
Classification: Pathogenic for Pyruvate dehydrogenase E1-alpha deficiency. Last evaluated: 2024-10-15. Review status: no assertion criteria provided. Collection method: research. Allele origin: de novo. Affected: yes. Observed: 2 variant alleles.
Comment: The NM_000284.3:c.1051C>T (p.Gln351Ter) change is a nonsense variant in PDHA1 gene. This variant is predicted to escape nonsense-mediated decay (NMD). In total, 2 individuals were diagnosed with PDHA1-related Pyruvate dehydrogenase complex (PDHc) deficiency (MIM #312170). Among them, 1 case had confirmed de novo occurrence. This variant has been identified in 2 unpublished cases from internal data. Last literature search: July 12, 2024. This variant is absent or extremely rare in population-based cohorts in the Genome Aggregation Database (gnomAD). Individuals harboring this variant presented with clinical features compatible with PDHA1-related PDHc deficiency. In summary, this variant meets criteria to be classified as pathogenic (P) for PDHA1-related PDHc deficiency based on the ACMG/AMP criteria applied: PVS1, PM2, PM7 (last assessment October 15, 2024).

Literature cited by the submitters: DOI 10.1093/brain/awaf430.